The following is an entry in ClinVar:

ClinVar aggregate classification (germline): Likely pathogenic. Review status: criteria provided, multiple submitters, no conflicts (2 of 4 stars). 2 submissions from 2 submitters: Likely pathogenic (2). Last evaluated 2025-03-17.

Allele frequency attached by ClinVar (database versions not stated): gnomAD exomes below 0.00001 and 0.00001.
gnomAD v4.1: 16 of 1,614,096 alleles (0.00099%); highest among the groups gnomAD compares: Non-Finnish European, 0.0014%; no homozygotes.

Submissions (2):

Labcorp Genetics (formerly Invitae), Labcorp
Classification: Likely pathogenic. Last evaluated: 2025-03-17. Review status: criteria provided, single submitter. Criteria: Invitae Variant Classification Sherloc (09022015). Collection method: clinical testing. Allele origin: germline.
Comment: This sequence change replaces leucine, which is neutral and non-polar, with proline, which is neutral and non-polar, at codon 191 of the BEST1 protein (p.Leu191Pro). This variant is present in population databases (no rsID available, gnomAD 0.0009%). This missense change has been observed in individuals with autosomal recessive bestrophinopathy (PMID: 17296903, 21809908, 31455904; internal data). This variant has been reported in individual(s) with clinical features of autosomal dominant Best disease (PMID: 17296903; internal data); however, the role of the variant in this condition is currently unclear. ClinVar contains an entry for this variant (Variation ID: 1503856). Invitae Evidence Modeling of protein sequence and biophysical properties (such as structural, functional, and spatial information, amino acid conservation, physicochemical variation, residue mobility, and thermodynamic stability) indicates that this missense variant is expected to disrupt BEST1 protein function with a positive predictive value of 95%. Experimental studies have shown that this missense change affects BEST1 function (PMID: 24560797). In summary, the currently available evidence indicates that the variant is pathogenic, but additional data are needed to prove that conclusively. Therefore, this variant has been classified as Likely Pathogenic.

Revvity Omics, Revvity
Classification: Likely pathogenic. Last evaluated: 2021-12-30. Review status: criteria provided, single submitter. Criteria: ACMG Guidelines, 2015. Collection method: clinical testing. Allele origin: germline.

Literature cited by the submitters: PubMed 17296903 (cited by Labcorp Genetics (formerly Invitae), Labcorp); PubMed 21809908 (cited by Labcorp Genetics (formerly Invitae), Labcorp); PubMed 31455904 (cited by Labcorp Genetics (formerly Invitae), Labcorp); PubMed 24560797 (cited by Labcorp Genetics (formerly Invitae), Labcorp).

NM_004183.4(BEST1):c.572T>C (p.Leu191Pro)

Gene: BEST1 (bestrophin 1; plus strand). Cytogenetic location: 11q12.3.
Variant type: single nucleotide variant.
Coding change: c.572T>C on transcript NM_004183.4 (MANE Select); coding-DNA position 572, T replaced by C.
Protein change: p.Leu191Pro; replaces leucine 191 with proline.
Molecular consequence: missense variant. On other transcripts: non-coding transcript variant (1).
Genome position (GRCh38, 1-based): chr11:61,956,934, T>C. VCF-style: chr11-61956934-T-C. GRCh37 (hg19) VCF-style: chr11-61724406-T-C.
Other names: c.392T>C, p.Leu131Pro (NM_001139443.3, NM_001300786.2, NM_001300787.2); c.254T>C, p.Leu85Pro (NM_001363591.3); c.572T>C, p.Leu191Pro (NM_001363592.2); c.-604T>C (NM_001363593.3); short protein forms L131P, L191P, L85P.
Identifiers: ClinVar variation 1503856 (VCV001503856.9), dbSNP rs1484152128, ClinGen allele CA380837502.